The following is an entry in ClinVar:

ClinVar aggregate classification (germline): Uncertain significance (1 of 4 stars; one submission).

Conditions:
Chuvash polycythemia. Also called: POLYCYTHEMIA, VHL-DEPENDENT. Identifiers: Orphanet 238557, MedGen C1837915, MONDO:0009892, OMIM 263400.
Von Hippel-Lindau syndrome (VHLS). Also called: VHL syndrome; von Hippel–Lindau syndrome; Von Hippel-Lindau. Identifiers: Orphanet 892, MedGen C0019562, MONDO:0008667, OMIM 193300. Disease mechanism: loss of function.

Submission:

Labcorp Genetics (formerly Invitae), Labcorp
Classification: Uncertain significance for Von Hippel-Lindau syndrome; Chuvash polycythemia. Last evaluated: 2018-03-13. Review status: criteria provided, single submitter. Criteria: Invitae Variant Classification Sherloc (09022015). Collection method: clinical testing. Allele origin: germline.
Comment: This variant, c.568_570dupGAC, results in the insertion of 1 amino acid to the VHL protein (p.Asp190dup), but otherwise preserves the integrity of the reading frame. This variant is not present in population databases (ExAC no frequency). This variant has not been reported in the literature in individuals with VHL-related disease. Experimental studies and prediction algorithms are not available for this variant, and the functional significance of the duplicated amino acid is currently unknown. In summary, the available evidence is currently insufficient to determine the role of this variant in disease. Therefore, it has been classified as a Variant of Uncertain Significance.

NM_000551.4(VHL):c.568_570dup (p.Asp190dup)

Genes: VHL (von Hippel-Lindau tumor suppressor; plus strand), LOC107303340 (3p25 von Hippel-Lindau tumor suppressor, E3 ubiquitin protein ligase Alu-mediated recombination region; plus strand). Cytogenetic location: 3p25.3.
Variant type: Duplication.
Coding change: c.568_570dup on transcript NM_000551.4 (MANE Select); coding-DNA positions 568 to 570, 3 bases duplicated (GAC; older notation c.568_570dupGAC).
Protein change: p.Asp190dup; duplicates aspartic acid 190.
Molecular consequence: inframe insertion. On other transcripts: 3 prime UTR variant (1).
Genome position (GRCh38, 1-based): chr3:10,149,891-10,149,893, GAC duplicated. VCF-style (leftmost placement, unchanged base first): chr3-10149890-A-AGAC. GRCh37 (hg19) VCF-style: chr3-10191574-A-AGAC.
Other names: c.445_447dup, p.Asp149dup (NM_198156.3); c.568_570dupGAC (NM_000551.3); c.*122_*124dup (NM_001354723.2).
Identifiers: ClinVar variation 575315 (VCV000575315.9), dbSNP rs1559429840, ClinGen allele CA891843325.